The following is an entry in ClinVar:

NM_000152.5(GAA):c.1157A>G (p.Gln386Arg)

Gene: GAA (alpha glucosidase; plus strand). Cytogenetic location: 17q25.3.
Variant type: single nucleotide variant.
Coding change: c.1157A>G on transcript NM_000152.5 (MANE Select); coding-DNA position 1157, A replaced by G.
Protein change: p.Gln386Arg; replaces glutamine 386 with arginine.
Molecular consequence: missense variant.
Genome position (GRCh38, 1-based): chr17:80,108,570, A>G. VCF-style: chr17-80108570-A-G. GRCh37 (hg19) VCF-style: chr17-78082369-A-G.
Other names: c.1157A>G, p.Gln386Arg (NM_001079803.3, NM_001079804.3, NM_001406741.1 and 1 more transcripts); short protein forms Q386R.
Identifiers: ClinVar variation 3230470 (VCV003230470.1), dbSNP rs1567830442, ClinGen allele CA401365065.

ClinVar aggregate classification (germline): Uncertain significance (1 of 4 stars; one submission).

Conditions:
Cardiovascular phenotype. Identifiers: MedGen CN230736.

Allele frequency attached by ClinVar (database versions not stated): gnomAD exomes 0.00001.
gnomAD v4.1: 7 of 1,612,804 alleles (0.00043%); highest among the groups gnomAD compares: Non-Finnish European, 0.00051%; no homozygotes.

Submission:

Ambry Genetics
Classification: Uncertain significance for Cardiovascular phenotype. Last evaluated: 2023-10-20. Review status: criteria provided, single submitter. Criteria: Ambry Variant Classification Scheme 2023. Collection method: clinical testing. Allele origin: germline.
Comment: The p.Q386R variant (also known as c.1157A>G), located in coding exon 6 of the GAA gene, results from an A to G substitution at nucleotide position 1157. The glutamine at codon 386 is replaced by arginine, an amino acid with highly similar properties. This amino acid position is conserved. In addition, the in silico prediction for this alteration is inconclusive. Since supporting evidence is limited at this time, the clinical significance of this alteration remains unclear.